The following is an entry in ClinVar:

ClinVar aggregate classification (germline): Benign/Likely benign. Review status: criteria provided, multiple submitters, no conflicts (2 of 4 stars). 2 submissions from 2 submitters: Benign (1); Likely benign (1). Last evaluated 2025-02-03.

Conditions:
Hereditary cancer-predisposing syndrome. Also called: Hereditary Cancer Syndrome; Tumor predisposition; Hereditary neoplastic syndrome; Neoplastic Syndromes, Hereditary. Identifiers: Orphanet 140162, MedGen C0027672, MeSH D009386, MONDO:0015356.
Hereditary diffuse gastric adenocarcinoma (HDGC). Also called: DIFFUSE GASTRIC AND LOBULAR BREAST CANCER SYNDROME. Identifiers: Orphanet 26106, MedGen C1708349, MONDO:0007648, OMIM 137215.

Submissions (2):

Ambry Genetics
Classification: Likely benign for Hereditary cancer-predisposing syndrome. Last evaluated: 2025-02-03. Review status: criteria provided, single submitter. Criteria: Ambry Variant Classification Scheme 2023. Collection method: clinical testing. Allele origin: germline.

Myriad Genetics, Inc.
Classification: Benign for Hereditary diffuse gastric adenocarcinoma. Last evaluated: 2024-09-12. Review status: criteria provided, single submitter. Criteria: Myriad Autosomal Dominant, Autosomal Recessive and X-Linked Classification Criteria (2023). Collection method: clinical testing. Allele origin: unknown.
Comment: This variant is considered benign. This variant is a silent/synonymous amino acid change and it is not expected to impact splicing.

NM_004360.5(CDH1):c.222A>C (p.Arg74=)

Gene: CDH1 (cadherin 1; plus strand). Cytogenetic location: 16q22.1.
Variant type: single nucleotide variant.
Coding change: c.222A>C on transcript NM_004360.5 (MANE Select); coding-DNA position 222, A replaced by C.
Protein change: p.Arg74=; no amino-acid change (arginine 74 retained).
Molecular consequence: synonymous variant. On other transcripts: 5 prime UTR variant (2).
Genome position (GRCh38, 1-based): chr16:68,801,728, A>C. VCF-style: chr16-68801728-A-C. GRCh37 (hg19) VCF-style: chr16-68835631-A-C.
Other names: c.222A>C, p.Arg74= (NM_001317184.2); c.-1394A>C (NM_001317185.2); c.-1598A>C (NM_001317186.2).
Identifiers: ClinVar variation 3379322 (VCV003379322.2).
Genomic context (GRCh38, chr16:68,801,728, plus strand): 5'-AGTGAATTTTGAAGATTGCACCGGTCGACAAAGGACAGCCTATTTTTCCCTCGACACCCG[A>C]TTCAAAGTGGGCACAGATGGTGTGATTACAGTCAAAAGGCCTCTACGGTTTCATAACCCA-3'
Protein context (NP_004351.1, residues 64-84): QRTAYFSLDT[Arg74=]FKVGTDGVIT